The following is an entry in ClinVar:

ClinVar aggregate classification (germline): Pathogenic (1 of 4 stars; one submission).

Submission:

GeneDx
Classification: Pathogenic. Last evaluated: 2018-08-30. Review status: criteria provided, single submitter. Criteria: GeneDx Variant Classification (06012015). Collection method: clinical testing. Allele origin: germline. Affected: yes.
Comment: The c.3681delC variant in the RAI1 gene has not been reported previously as a pathogenic variant nor as a benign variant, to our knowledge. The c.3681delC variant causes a frameshift starting with codon Phenylalanine 1228, changes this amino acid to a Serine residue, and creates a premature Stop codon at position 87 of the new reading frame, denoted p.Phe1228SerfsX87. This variant is predicted to cause loss of normal protein function either through protein truncation or nonsense-mediated mRNA decay. The c.3681delC variant is not observed in large population cohorts (Lek et al., 2016). We interpret c.3681delC as a pathogenic variant.

NM_030665.4(RAI1):c.3681del (p.Phe1228fs)

Gene: RAI1 (retinoic acid induced 1; plus strand). Cytogenetic location: 17p11.2.
Variant type: Deletion.
Coding change: c.3681del on transcript NM_030665.4 (MANE Select); coding-DNA position 3681, one base deleted (C; older notation c.3681delC).
Protein change: p.Phe1228fs; shifts the reading frame from phenylalanine 1228.
Molecular consequence: frameshift variant.
Genome position (GRCh38, 1-based): chr17:17,796,629, C deleted; the last of 2 consecutive C bases (chr17:17,796,628-17,796,629); deleting either gives the same sequence. VCF-style (leftmost placement, unchanged base first): chr17-17796627-GC-G. GRCh37 (hg19) VCF-style: chr17-17699941-GC-G.
Other names: short protein forms F1228fs.
Identifiers: ClinVar variation 817206 (VCV000817206.1), dbSNP rs1598092034, ClinGen allele CA915949619.